The following is an entry in ClinVar:

NM_001165963.4(SCN1A):c.3633T>G (p.Cys1211Trp)

Genes: SCN1A (sodium voltage-gated channel alpha subunit 1; minus strand), LOC102724058 (uncharacterized LOC102724058; plus strand). Cytogenetic location: 2q24.3.
Variant type: single nucleotide variant.
Coding change: c.3633T>G on transcript NM_001165963.4 (MANE Select); coding-DNA position 3633, T replaced by G.
Protein change: p.Cys1211Trp; replaces cysteine 1211 with tryptophan.
Molecular consequence: missense variant. On other transcripts: non-coding transcript variant (1).
Genome position (GRCh38, 1-based): chr2:166,013,816, A>C on the plus strand (T>G on the coding strand, the complement: SCN1A is on the minus strand). VCF-style: chr2-166013816-A-C. GRCh37 (hg19) VCF-style: chr2-166870326-A-C.
Other names: c.3600T>G, p.Cys1200Trp (NM_001353950.2, NM_001353951.2, NM_001353952.2 and 2 more transcripts); c.3597T>G, p.Cys1199Trp (NM_001353954.2, NM_001353955.2); c.3549T>G, p.Cys1183Trp (NM_001353957.2, NM_001353958.2, NM_001165964.3); c.3546T>G, p.Cys1182Trp (NM_001353960.2); c.1191T>G, p.Cys397Trp (NM_001353961.2); c.3633T>G, p.Cys1211Trp (NM_001202435.3, NM_001353948.2); short protein forms C1182W, C1183W, C1200W, C397W, C1199W, C1211W.
Identifiers: ClinVar variation 3634026 (VCV003634026.2).

ClinVar aggregate classification (germline): Uncertain significance (1 of 4 stars; one submission).

Conditions:
Early-infantile DEE. Also called: Early infantile epileptic encephalopathy; Ohtahara syndrome; Early infantile epileptic encephalopathy with suppression bursts. Identifiers: Orphanet 1934, MedGen C0393706, MONDO:0800491.

Submission:

Labcorp Genetics (formerly Invitae), Labcorp
Classification: Uncertain significance for Early-infantile DEE. Last evaluated: 2024-04-18. Review status: criteria provided, single submitter. Criteria: Invitae Variant Classification Sherloc (09022015). Collection method: clinical testing. Allele origin: germline.
Comment: This sequence change replaces cysteine, which is neutral and slightly polar, with tryptophan, which is neutral and slightly polar, at codon 1211 of the SCN1A protein (p.Cys1211Trp). This variant is not present in population databases (gnomAD no frequency). This missense change has been observed in individual(s) with clinical features of SCN1A-related conditions (Invitae). Advanced modeling of protein sequence and biophysical properties (such as structural, functional, and spatial information, amino acid conservation, physicochemical variation, residue mobility, and thermodynamic stability) performed at Invitae indicates that this missense variant is expected to disrupt SCN1A protein function with a positive predictive value of 95%. In summary, the available evidence is currently insufficient to determine the role of this variant in disease. Therefore, it has been classified as a Variant of Uncertain Significance.